The following is an entry in ClinVar:

GRCh38/hg38 15q11.2(chr15:22787972-23066575)x3

Genes: CYFIP1 (cytoplasmic FMR1 interacting protein 1; minus strand), NIPA1 (NIPA magnesium transporter 1; plus strand), NIPA2 (NIPA magnesium transporter 2; plus strand), TUBGCP5 (tubulin gamma complex component 5; minus strand), LOC112272575 (Sharpr-MPRA regulatory region 8478; plus strand) and 7 more. Cytogenetic location: 15q11.2.
Variant type: copy number gain.
Change: copy number 3 (three copies instead of two) of chr15:22,787,972-23,066,575 (278.6 kb, GRCh38 coordinates, 1-based), cytogenetic band 15q11.2.
Identifiers: ClinVar variation 160919 (VCV000160919.1).

ClinVar aggregate classification (germline): Uncertain significance (1 of 4 stars; one submission).

Submission:

ISCA site 15
Classification: Uncertain significance. Last evaluated: 2011-08-12. Review status: criteria provided, single submitter. Criteria: Kaminsky et al. (Genet Med. 2011). Collection method: clinical testing. Allele origin: paternal. Affected: yes. Observed: 1 variant allele.
Comment: Copy number variation identified through the course of routine clinical cytogenomic testing in postnatal populations. Clinical assertions have been curated as described in Kaminsky et al. 2011.